The following is an entry in ClinVar:

NM_001110556.2(FLNA):c.6688G>A (p.Val2230Met)

Gene: FLNA (filamin A; minus strand). Cytogenetic location: Xq28.
Variant type: single nucleotide variant.
Coding change: c.6688G>A on transcript NM_001110556.2 (MANE Select); coding-DNA position 6688, G replaced by A.
Protein change: p.Val2230Met; replaces valine 2230 with methionine.
Molecular consequence: missense variant.
Genome position (GRCh38, 1-based): chrX:154,352,262, C>T on the plus strand (G>A on the coding strand, the complement: FLNA is on the minus strand). VCF-style: chrX-154352262-C-T. GRCh37 (hg19) VCF-style: chrX-153580630-C-T.
Other names: c.6664G>A, p.Val2222Met (NM_001456.4); short protein forms V2230M, V2222M.
Identifiers: ClinVar variation 1386026 (VCV001386026.6), dbSNP rs2148103899, ClinGen allele CA415189944.
Genomic context (GRCh38, chrX:154,352,262, plus strand): 5'-TCTCCAGGCCAGGGCCCCCAGCTCGGACCTTGTGGGCTCCCCCTTCCCCTAGGGGCCCCA[C>T]GGTGAACTGGAAGGGGCTCCCAGGCACGTGCTGGCCCTTGTACTTCACGCTGACTGTGTG-3'
Protein context (NP_001104026.1, residues 2220-2240): HVPGSPFQFT[Val2230Met]GPLGEGGAHK

ClinVar aggregate classification (germline): Uncertain significance (1 of 4 stars; one submission).

Conditions:
Heterotopia, periventricular, X-linked dominant (PVNH1). Also called: PERIVENTRICULAR NODULAR HETEROTOPIA 4; HETEROTOPIA, PERIVENTRICULAR, 1; PERIVENTRICULAR NODULAR HETEROTOPIA 1; X-linked periventricular heterotopia. Identifiers: Orphanet 2149, Orphanet 82004, MedGen C1848213, MONDO:0010233, OMIM 300049.
Melnick-Needles syndrome (MNS). Also called: MELNICK-NEEDLES OSTEODYSPLASTY; OSTEODYSPLASTY OF MELNICK AND NEEDLES; Melnick-Needles Syndrome (FLNA-MNS). Identifiers: Orphanet 2484, MedGen C0025237, MONDO:0010650, OMIM 309350.
Frontometaphyseal dysplasia (FMD1). Identifiers: Orphanet 1826, MedGen C0265293, MONDO:0015942.
Oto-palato-digital syndrome, type II (OPD2). Also called: FACIOPALATOOSSEOUS SYNDROME; OPD II SYNDROME; Otopalatodigital Syndrome, Type II; Otopalatodigital Syndrome Type 2 (FLNA-OPD2). Identifiers: Orphanet 669, Orphanet 90652, MedGen C1844696, MONDO:0010571, OMIM 304120.

Submission:

Labcorp Genetics (formerly Invitae), Labcorp
Classification: Uncertain significance for Oto-palato-digital syndrome, type II; Heterotopia, periventricular, X-linked dominant; Frontometaphyseal dysplasia; Melnick-Needles syndrome. Last evaluated: 2021-10-11. Review status: criteria provided, single submitter. Criteria: Invitae Variant Classification Sherloc (09022015). Collection method: clinical testing. Allele origin: germline.
Comment: Algorithms developed to predict the effect of missense changes on protein structure and function are either unavailable or do not agree on the potential impact of this missense change (SIFT: "Deleterious"; PolyPhen-2: "Probably Damaging"; Align-GVGD: "Class C15"). In summary, the available evidence is currently insufficient to determine the role of this variant in disease. Therefore, it has been classified as a Variant of Uncertain Significance. This variant has not been reported in the literature in individuals affected with FLNA-related conditions. This variant is not present in population databases (ExAC no frequency). This sequence change replaces valine with methionine at codon 2222 of the FLNA protein (p.Val2222Met). The valine residue is highly conserved and there is a small physicochemical difference between valine and methionine.